The following is an entry in ClinVar:

NM_024675.4(PALB2):c.209C>A (p.Ser70Ter)

Gene: PALB2 (partner and localizer of BRCA2; minus strand). Cytogenetic location: 16p12.2.
Variant type: single nucleotide variant.
Coding change: c.209C>A on transcript NM_024675.4 (MANE Select); coding-DNA position 209, C replaced by A.
Protein change: p.Ser70Ter; replaces serine 70 with a stop codon.
Molecular consequence: nonsense. On other transcripts: 5 prime UTR variant (8), intron variant (3).
Genome position (GRCh38, 1-based): chr16:23,637,852, G>T on the plus strand (C>A on the coding strand, the complement: PALB2 is on the minus strand). VCF-style: chr16-23637852-G-T. GRCh37 (hg19) VCF-style: chr16-23649173-G-T.
Other names: c.149C>A, p.Ser50Ter (NM_001407296.1); c.209C>A, p.Ser70Ter (NM_001407297.1, NM_001407298.1, NM_001407299.1 and 3 more transcripts); c.-677C>A (NM_001407304.1, NM_001407305.1, NM_001407306.1 and 5 more transcripts); c.48+3258C>A (NM_001407314.1); c.-105+3258C>A (NM_001407313.1, NM_001407312.1); short protein forms S50*, S70*.
Identifiers: ClinVar variation 5043513 (VCV005043513.1).
Genomic context (GRCh38, chr16:23,637,852, plus strand): 5'-CAAAATATACCTGGGAAATGAATAATAAAGCAGGCATAAGTGAATGGTCTAGATTTACCT[G>T]AGTGTTTTAGCTGCGGTGAGAGATCCTGCTGAGACAAACAATCTTGTTCTTCTACTGTTT-3'

ClinVar aggregate classification (germline): Pathogenic (1 of 4 stars; one submission).

Conditions:
Inherited breast cancer and ovarian cancer.

Submission:

Genetics Laboratory, Great Ormond Street Hospital NHS Foundation Trust, North Thames Genomic Laboratory Hub
Classification: Pathogenic for Inherited breast cancer and ovarian cancer. Last evaluated: 2026-09-25. Review status: criteria provided, single submitter. Criteria: CanVIG PALB2 Gene Specific V1.2. Collection method: clinical testing. Allele origin: germline. Affected: yes.
Comment: PM2_supporting, PVS1_very-strong, PM5_supporting